The following is an entry in ClinVar:

NM_001267550.2(TTN):c.61182G>C (p.Lys20394Asn)

Genes: TTN (titin; minus strand), TTN-AS1 (TTN antisense RNA 1; plus strand). Cytogenetic location: 2q31.2.
Variant type: single nucleotide variant.
Coding change: c.61182G>C on transcript NM_001267550.2 (MANE Select); coding-DNA position 61182, G replaced by C.
Protein change: p.Lys20394Asn; replaces lysine 20394 with asparagine.
Molecular consequence: missense variant.
Genome position (GRCh38, 1-based): chr2:178,590,543, C>G on the plus strand (G>C on the coding strand, the complement: TTN is on the minus strand). VCF-style: chr2-178590543-C-G. GRCh37 (hg19) VCF-style: chr2-179455270-C-G.
Other names: c.56259G>C, p.Lys18753Asn (NM_001256850.1); c.33987G>C, p.Lys11329Asn (NM_003319.4); c.53478G>C, p.Lys17826Asn (NM_133378.4); c.34362G>C, p.Lys11454Asn (NM_133432.3); c.34563G>C, p.Lys11521Asn (NM_133437.4); short protein forms K17826N, K20394N, K11329N, K11454N, K11521N, K18753N.
Identifiers: ClinVar variation 502582 (VCV000502582.10), dbSNP rs1251147363, ClinGen allele CA349475430.

ClinVar aggregate classification (germline): Uncertain significance. Review status: criteria provided, multiple submitters, no conflicts (2 of 4 stars). 4 submissions from 4 submitters: Uncertain significance (3). 1 of the submissions does not count toward it. Last evaluated 2019-06-19.

Conditions:
TTN-related disorder. Also called: TTN-related condition; TTN-related disease; TTN-related disorders.
Cardiovascular phenotype. Identifiers: MedGen CN230736.
Hypertrophic cardiomyopathy. Also called: HYPERTROPHIC MYOCARDIOPATHY. Identifiers: Orphanet 217569, MedGen C0007194, MeSH D002312, MONDO:0005045, HP:0001639.

Allele frequency attached by ClinVar (database versions not stated): gnomAD exomes below 0.00001 and 0.00001; gnomAD 0.00001; TOPMed 0.00001.
gnomAD v4.1: 10 of 1,612,642 alleles (0.00062%); highest among the groups gnomAD compares: African/African-American, 0.0013%; no homozygotes.

Submissions (4):

Ambry Genetics
Classification: Uncertain significance for Cardiovascular phenotype. Last evaluated: 2019-06-19. Review status: criteria provided, single submitter. Criteria: Ambry Variant Classification Scheme 2023. Collection method: clinical testing. Allele origin: germline.
Comment: The p.K11329N variant (also known as c.33987G>C), located in coding exon 131 of the TTN gene, results from a G to C substitution at nucleotide position 33987. The lysine at codon 11329 is replaced by asparagine, an amino acid with similar properties. This amino acid position is highly conserved in available vertebrate species. In addition, this alteration is predicted to be tolerated by in silico analysis. Since supporting evidence is limited at this time, the clinical significance of this alteration remains unclear.

Center for Advanced Laboratory Medicine, UC San Diego Health, University of California San Diego
Classification: Uncertain significance for Hypertrophic cardiomyopathy. Last evaluated: 2018-04-18. Review status: criteria provided, single submitter. Criteria: ACMG Guidelines, 2015. Collection method: clinical testing. Allele origin: germline. Affected: yes. Observed: 1 variant allele.

Eurofins Ntd Llc (ga)
Classification: Uncertain significance. Last evaluated: 2017-06-15. Review status: criteria provided, single submitter. Criteria: EGL Classification Definitions 2015. Collection method: clinical testing. Allele origin: germline. Observed: 1 variant allele, 1 heterozygote.

PreventionGenetics, part of Exact Sciences
Classification: Uncertain significance for TTN-related condition. Last evaluated: 2024-01-11. Review status: no assertion criteria provided. Collection method: clinical testing. Allele origin: germline. Not counted in ClinVar's aggregate classification.
Comment: The TTN c.61182G>C variant is predicted to result in the amino acid substitution p.Lys20394Asn. To our knowledge, this variant has not been reported in the literature. This variant is reported in 0.0016% of alleles in individuals of European (Non-Finnish) descent in gnomAD. At this time, the clinical significance of this variant is uncertain due to the absence of conclusive functional and genetic evidence.